The following is an entry in ClinVar:

ClinVar aggregate classification (germline): Uncertain significance (1 of 4 stars; one submission).

Submission:

GeneDx
Classification: Uncertain significance. Last evaluated: 2024-08-27. Review status: criteria provided, single submitter. Criteria: GeneDx Variant Classification Process June 2021. Collection method: clinical testing. Allele origin: germline. Affected: yes.
Comment: Not observed at significant frequency in large population cohorts (gnomAD); In silico analysis supports that this missense variant has a deleterious effect on protein structure/function; Has not been previously published as pathogenic or benign to our knowledge

NM_000053.4(ATP7B):c.3635T>C (p.Met1212Thr)

Gene: ATP7B (ATPase copper transporting beta; minus strand). Cytogenetic location: 13q14.3.
Variant type: single nucleotide variant.
Coding change: c.3635T>C on transcript NM_000053.4 (MANE Select); coding-DNA position 3635, T replaced by C.
Protein change: p.Met1212Thr; replaces methionine 1212 with threonine.
Molecular consequence: missense variant.
Genome position (GRCh38, 1-based): chr13:51,939,115, A>G on the plus strand (T>C on the coding strand, the complement: ATP7B is on the minus strand). VCF-style: chr13-51939115-A-G. GRCh37 (hg19) VCF-style: chr13-52513251-A-G.
Other names: c.3014T>C, p.Met1005Thr (NM_001005918.3); c.3302T>C, p.Met1101Thr (NM_001243182.2); c.3401T>C, p.Met1134Thr (NM_001330578.2, NM_001406527.1, NM_001406528.1); c.3383T>C, p.Met1128Thr (NM_001330579.2, NM_001406531.1, NM_001406532.1); c.3635T>C, p.Met1212Thr (NM_001406511.1, NM_001406512.1, NM_001406526.1); c.3629T>C, p.Met1210Thr (NM_001406513.1); c.3602T>C, p.Met1201Thr (NM_001406514.1); c.3581T>C, p.Met1194Thr (NM_001406515.1, NM_001406516.1); and 20 more; short protein forms M1005T, M1018T, M1048T, M1050T, M1063T, M1069T, M1086T, M1099T.
Identifiers: ClinVar variation 3766292 (VCV003766292.1).